The following is an entry in ClinVar:

NM_145200.5(CABP4):c.259T>A (p.Ser87Thr)

Gene: CABP4 (calcium binding protein 4; plus strand). Cytogenetic location: 11q13.2.
Variant type: single nucleotide variant.
Coding change: c.259T>A on transcript NM_145200.5 (MANE Select); coding-DNA position 259, T replaced by A.
Protein change: p.Ser87Thr; replaces serine 87 with threonine.
Molecular consequence: missense variant. On other transcripts: 5 prime UTR variant (2), non-coding transcript variant (1), intron variant (1).
Genome position (GRCh38, 1-based): chr11:67,455,682, T>A. VCF-style: chr11-67455682-T-A. GRCh37 (hg19) VCF-style: chr11-67223153-T-A.
Other names: c.-125T>A (NM_001300895.3); c.-139T>A (NM_001379183.1); c.-112-27T>A (NM_001300896.3); short protein forms S87T.
Identifiers: ClinVar variation 1378511 (VCV001378511.8), dbSNP rs2135173915, ClinGen allele CA381527430.

ClinVar aggregate classification (germline): Uncertain significance (1 of 4 stars; one submission).

Submission:

Labcorp Genetics (formerly Invitae), Labcorp
Classification: Uncertain significance. Last evaluated: 2022-09-06. Review status: criteria provided, single submitter. Criteria: Invitae Variant Classification Sherloc (09022015). Collection method: clinical testing. Allele origin: germline.
Comment: In summary, the available evidence is currently insufficient to determine the role of this variant in disease. Therefore, it has been classified as a Variant of Uncertain Significance. Advanced modeling of protein sequence and biophysical properties (such as structural, functional, and spatial information, amino acid conservation, physicochemical variation, residue mobility, and thermodynamic stability) performed at Invitae indicates that this missense variant is not expected to disrupt CABP4 protein function. ClinVar contains an entry for this variant (Variation ID: 1378511). This variant has not been reported in the literature in individuals affected with CABP4-related conditions. This variant is not present in population databases (gnomAD no frequency). This sequence change replaces serine, which is neutral and polar, with threonine, which is neutral and polar, at codon 87 of the CABP4 protein (p.Ser87Thr).